The following is an entry in ClinVar:

ClinVar aggregate classification (germline): Uncertain significance (1 of 4 stars; one submission).

Submission:

Labcorp Genetics (formerly Invitae), Labcorp
Classification: Uncertain significance. Last evaluated: 2022-07-26. Review status: criteria provided, single submitter. Criteria: Invitae Variant Classification Sherloc (09022015). Collection method: clinical testing. Allele origin: germline.
Comment: This sequence change replaces threonine with asparagine at codon 279 of the KCNK4 protein (p.Thr279Asn). The threonine residue is moderately conserved and there is a small physicochemical difference between threonine and asparagine. This variant is not present in population databases (gnomAD no frequency). This variant has not been reported in the literature in individuals affected with KCNK4-related conditions. ClinVar contains an entry for this variant (Variation ID: 1416255). Algorithms developed to predict the effect of missense changes on protein structure and function are either unavailable or do not agree on the potential impact of this missense change (SIFT: "Not Available"; PolyPhen-2: "Probably Damaging"; Align-GVGD: "Not Available"). In summary, the available evidence is currently insufficient to determine the role of this variant in disease. Therefore, it has been classified as a Variant of Uncertain Significance.

NM_033310.3(KCNK4):c.836C>A (p.Thr279Asn)

Genes: KCNK4 (potassium two pore domain channel subfamily K member 4; plus strand), KCNK4-CATSPERZ (KCNK4-CATSPERZ readthrough (NMD candidate); plus strand). Cytogenetic location: 11q13.1.
Variant type: single nucleotide variant.
Coding change: c.836C>A on transcript NM_033310.3 (MANE Select); coding-DNA position 836, C replaced by A.
Protein change: p.Thr279Asn; replaces threonine 279 with asparagine.
Molecular consequence: missense variant. On other transcripts: non-coding transcript variant (3).
Genome position (GRCh38, 1-based): chr11:64,299,380, C>A. VCF-style: chr11-64299380-C-A. GRCh37 (hg19) VCF-style: chr11-64066852-C-A.
Other names: c.836C>A, p.Thr279Asn (NM_001317090.2); short protein forms T279N.
Identifiers: ClinVar variation 1416255 (VCV001416255.6), dbSNP rs763562553, ClinGen allele CA381066937.